The following is an entry in ClinVar:

NM_004369.4(COL6A3):c.2292C>T (p.Asn764=)

Gene: COL6A3 (collagen type VI alpha 3 chain; minus strand). Cytogenetic location: 2q37.3.
Variant type: single nucleotide variant.
Coding change: c.2292C>T on transcript NM_004369.4 (MANE Select); coding-DNA position 2292, C replaced by T.
Protein change: p.Asn764=; no amino-acid change (asparagine 764 retained).
Molecular consequence: synonymous variant. On other transcripts: intron variant (1).
Genome position (GRCh38, 1-based): chr2:237,378,841, G>A on the plus strand (C>T on the coding strand, the complement: COL6A3 is on the minus strand). VCF-style: chr2-237378841-G-A. GRCh37 (hg19) VCF-style: chr2-238287484-G-A.
Other names: p.Asn764=; c.1071C>T, p.Asn357= (NM_057164.5); c.1674C>T, p.Asn558= (NM_057165.5, NM_057167.4); c.677-1497C>T (NM_057166.5).
Identifiers: ClinVar variation 198166 (VCV000198166.58), dbSNP rs116066149, ClinGen allele CA246677.

ClinVar aggregate classification (germline): Conflicting classifications of pathogenicity. Review status: criteria provided, conflicting classifications (1 of 4 stars). 8 submissions from 8 submitters: Uncertain significance (1); Benign (1); Likely benign (6). Last evaluated 2026-08-01.

Conditions:
Collagen 6-related myopathy. Identifiers: MedGen CN117976, MONDO:0100225.
Bethlem myopathy 1A. Also called: Bethlem Muscular Dystrophy; MYOPATHY, BENIGN CONGENITAL, WITH CONTRACTURES; Bethlem myopathy 1. Identifiers: Orphanet 610, MedGen CN029274, MONDO:0024530, OMIM 158810.

Allele frequency attached by ClinVar (database versions not stated): 1000 Genomes Project 30x 0.00016; 1000 Genomes Project 0.00020; ExAC 0.00068; gnomAD 0.00092 and 0.00096; TOPMed 0.00119; ESP Exome Variant Server 0.00154.
gnomAD v4.1: 2,407 of 1,614,218 alleles (0.15%); highest among the groups gnomAD compares: Non-Finnish European, 0.19%; 3 homozygotes.

Submissions (8):

CeGaT Center for Human Genetics Tuebingen
Classification: Likely benign. Last evaluated: 2026-08-01. Review status: criteria provided, single submitter. Criteria: CeGaT Center For Human Genetics Tuebingen Variant Classification Criteria Version 2. Collection method: clinical testing. Allele origin: germline. Affected: yes. Observed: 15 variant alleles.
Comment: COL6A3: BP4, BP7

Labcorp Genetics (formerly Invitae), Labcorp
Classification: Likely benign for Bethlem myopathy 1A. Last evaluated: 2026-02-01. Review status: criteria provided, single submitter. Criteria: Invitae Variant Classification Sherloc (09022015). Collection method: clinical testing. Allele origin: germline.

Blueprint Genetics
Classification: Likely benign. Last evaluated: 2024-11-13. Review status: criteria provided, single submitter. Criteria: ACMG Guidelines, 2015. Collection method: clinical testing. Allele origin: germline.

Mayo Clinic Laboratories, Mayo Clinic
Classification: Likely benign. Last evaluated: 2024-06-18. Review status: criteria provided, single submitter. Criteria: ACMG Guidelines, 2015. Collection method: clinical testing. Allele origin: germline. Observed: 4 variant alleles.
Comment: BP4, BP7

GeneDx
Classification: Likely benign. Last evaluated: 2020-10-20. Review status: criteria provided, single submitter. Criteria: GeneDx Variant Classification Process June 2021. Collection method: clinical testing. Allele origin: germline. Affected: yes.
Comment: This variant is associated with the following publications: (PMID: 30564623)

Illumina Laboratory Services, Illumina
Classification: Benign for Collagen VI-related myopathy. Last evaluated: 2018-01-12. Review status: criteria provided, single submitter. Criteria: ICSL Variant Classification Criteria 13 December 2019. Collection method: clinical testing. Allele origin: germline.
Comment: This variant was observed in the ICSL laboratory as part of a predisposition screen in an ostensibly healthy population. It had not been previously curated by ICSL or reported in the Human Gene Mutation Database (HGMD: prior to June 1st, 2018), and was therefore a candidate for classification through an automated scoring system. Utilizing variant allele frequency, disease prevalence and penetrance estimates, and inheritance mode, an automated score was calculated to assess if this variant is too frequent to cause the disease. Based on the score and internal cut-off values, a variant classified as benign is not then subjected to further curation. The score for this variant resulted in a classification of benign for this disease.

Eurofins Ntd Llc (ga)
Classification: Uncertain significance. Last evaluated: 2018-01-11. Review status: criteria provided, single submitter. Criteria: EGL Classification Definitions 2015. Collection method: clinical testing. Allele origin: germline. Observed: 17 variant alleles, 17 heterozygotes.

PreventionGenetics, part of Exact Sciences
Classification: Likely benign. Review status: criteria provided, single submitter. Criteria: ACMG Guidelines, 2015. Collection method: clinical testing. Allele origin: germline.